The following is an entry in ClinVar:

NM_024408.4(NOTCH2):c.5824A>G (p.Asn1942Asp)

Gene: NOTCH2 (notch receptor 2; minus strand). Cytogenetic location: 1p12.
Variant type: single nucleotide variant.
Coding change: c.5824A>G on transcript NM_024408.4 (MANE Select); coding-DNA position 5824, A replaced by G.
Protein change: p.Asn1942Asp; replaces asparagine 1942 with aspartic acid.
Molecular consequence: missense variant.
Genome position (GRCh38, 1-based): chr1:119,918,511, T>C on the plus strand (A>G on the coding strand, the complement: NOTCH2 is on the minus strand). VCF-style: chr1-119918511-T-C. GRCh37 (hg19) VCF-style: chr1-120461134-T-C.
Other names: short protein forms N1942D.
Identifiers: ClinVar variation 3004609 (VCV003004609.3), dbSNP rs2526115891, ClinGen allele CA341882862.
Genomic context (GRCh38, chr1:119,918,511, plus strand): 5'-CTGCCACCATTCCCTCCACAGCCAGGCGGGCAGCCAGGATCAGGGGTGTAGTACCATCAT[T>C]CATCCTGGCATCTAGATCAGTTACTCGGTTGCGAATCAGAATCTAGAAGAGGAGAAAGTA-3'
Protein context (NP_077719.2, residues 1932-1952): NRVTDLDARM[Asn1942Asp]DGTTPLILAA

ClinVar aggregate classification (germline): Uncertain significance (1 of 4 stars; one submission).

Conditions:
Hajdu-Cheney syndrome (HJCYS). Also called: ACROOSTEOLYSIS WITH OSTEOPOROSIS AND CHANGES IN SKULL AND MANDIBLE; SERPENTINE FIBULA-POLYCYSTIC KIDNEY SYNDROME; Acroosteolysis dominant type. Identifiers: Orphanet 955, MedGen C0917715, MONDO:0007057, OMIM 102500.

Allele frequency attached by ClinVar (database versions not stated): gnomAD exomes below 0.00001.
gnomAD v4.1: 2 of 1,614,164 alleles (0.00012%); highest among the groups gnomAD compares: Non-Finnish European, 0.00017%; no homozygotes.

Submission:

Labcorp Genetics (formerly Invitae), Labcorp
Classification: Uncertain significance for Hajdu-Cheney syndrome. Last evaluated: 2023-05-15. Review status: criteria provided, single submitter. Criteria: Invitae Variant Classification Sherloc (09022015). Collection method: clinical testing. Allele origin: germline.
Comment: In summary, the available evidence is currently insufficient to determine the role of this variant in disease. Therefore, it has been classified as a Variant of Uncertain Significance. Advanced modeling of protein sequence and biophysical properties (such as structural, functional, and spatial information, amino acid conservation, physicochemical variation, residue mobility, and thermodynamic stability) performed at Invitae indicates that this missense variant is not expected to disrupt NOTCH2 protein function. This variant has not been reported in the literature in individuals affected with NOTCH2-related conditions. This variant is not present in population databases (gnomAD no frequency). This sequence change replaces asparagine, which is neutral and polar, with aspartic acid, which is acidic and polar, at codon 1942 of the NOTCH2 protein (p.Asn1942Asp).